The following is an entry in ClinVar:

NM_006613.4(GRAP):c.547G>A (p.Asp183Asn)

Genes: GRAP (GRB2 related adaptor protein; minus strand), SLC5A10 (solute carrier family 5 member 10; plus strand). Cytogenetic location: 17p11.2.
Variant type: single nucleotide variant.
Coding change: c.547G>A on transcript NM_006613.4 (MANE Select); coding-DNA position 547, G replaced by A.
Protein change: p.Asp183Asn; replaces aspartic acid 183 with asparagine.
Molecular consequence: missense variant. On other transcripts: synonymous variant (1), 3 prime UTR variant (4).
Genome position (GRCh38, 1-based): chr17:19,022,066, C>T on the plus strand (G>A on the coding strand, the complement: GRAP is on the minus strand). VCF-style: chr17-19022066-C-T. GRCh37 (hg19) VCF-style: chr17-18925379-C-T.
Other names: c.378G>A, p.Ala126= (NM_001330148.2); c.*1635C>T (NM_001042450.4, NM_001270648.3, NM_001270649.2 and 1 more transcripts); short protein forms D183N.
Identifiers: ClinVar variation 4978755 (VCV004978755.1).

ClinVar aggregate classification (germline): Uncertain significance (1 of 4 stars; one submission).

Conditions:
GRAP-related disorder. Also called: GRAP-related condition.

gnomAD v4.1: 10 of 1,592,868 alleles (0.00063%); highest among the groups gnomAD compares: East Asian, 0.0023%; no homozygotes.

Submission:

PreventionGenetics, part of Exact Sciences
Classification: Uncertain significance for GRAP-related condition. Last evaluated: 2026-02-05. Review status: criteria provided, single submitter. Criteria: ACMG Guidelines, 2015. Collection method: clinical testing. Allele origin: germline.
Comment: The GRAP c.547G>A variant is predicted to result in the amino acid substitution p.Asp183Asn. To our knowledge, this variant has not been reported in the literature. This variant is reported in 0.0064% of alleles in individuals of East Asian descent in gnomAD. At this time, the clinical significance of this variant is uncertain due to the absence of conclusive functional and genetic evidence.